The following is an entry in ClinVar:

NM_016239.4(MYO15A):c.4876-2A>T

Gene: MYO15A (myosin XVA; plus strand). Cytogenetic location: 17p11.2.
Variant type: single nucleotide variant.
Coding change: c.4876-2A>T on transcript NM_016239.4 (MANE Select); the canonical splice acceptor site of the intron before coding-DNA position 4876, A replaced by T.
Molecular consequence: splice acceptor variant.
Genome position (GRCh38, 1-based): chr17:18,138,113, A>T. VCF-style: chr17-18138113-A-T. GRCh37 (hg19) VCF-style: chr17-18041427-A-T.
Identifiers: ClinVar variation 3601348 (VCV003601348.1).

ClinVar aggregate classification (germline): Likely pathogenic (1 of 4 stars; one submission).

Conditions:
Autosomal recessive nonsyndromic hearing loss 3. Also called: NEUROSENSORY NONSYNDROMIC RECESSIVE DEAFNESS 3. Identifiers: Orphanet 90636, MedGen C1838263, MONDO:0010860, OMIM 600316.

Submission:

Institute of Rare Diseases, West China Hospital, Sichuan University
Classification: Likely pathogenic for Autosomal recessive nonsyndromic hearing loss 3. Last evaluated: 2025-01-09. Review status: criteria provided, single submitter. Criteria: ClinGen HL ACMG Specifications v1. Collection method: research. Allele origin: germline. Affected: yes.
Comment: PVS1;PM2_Supporting